The following is an entry in ClinVar:

ClinVar aggregate classification (germline): Uncertain significance (1 of 4 stars; one submission).

Conditions:
MAGEL2-related disorder. Also called: MAGEL2-related condition.

Allele frequency attached by ClinVar (database versions not stated): TOPMed 0.00001; gnomAD 0.00002.
gnomAD v4.1: 43 of 1,474,910 alleles (0.0029%); highest among the groups gnomAD compares: Non-Finnish European, 0.0038%; no homozygotes.

Submission:

PreventionGenetics, part of Exact Sciences
Classification: Uncertain significance for MAGEL2-related condition. Last evaluated: 2023-06-16. Review status: criteria provided, single submitter. Criteria: ACMG Guidelines, 2015. Collection method: clinical testing. Allele origin: germline.
Comment: The MAGEL2 c.1196C>A variant is predicted to result in the amino acid substitution p.Pro399Gln. To our knowledge, this variant has not been reported in the literature. This variant is reported in 0.0065% of alleles in individuals of European (Non-Finnish) descent in gnomAD. At this time, the clinical significance of this variant is uncertain due to the absence of conclusive functional and genetic evidence.

NM_019066.5(MAGEL2):c.1196C>A (p.Pro399Gln)

Gene: MAGEL2 (MAGE family member L2; minus strand). Cytogenetic location: 15q11.2.
Variant type: single nucleotide variant.
Coding change: c.1196C>A on transcript NM_019066.5 (MANE Select); coding-DNA position 1196, C replaced by A.
Protein change: p.Pro399Gln; replaces proline 399 with glutamine.
Molecular consequence: missense variant.
Genome position (GRCh38, 1-based): chr15:23,646,547, G>T on the plus strand (C>A on the coding strand, the complement: MAGEL2 is on the minus strand). VCF-style: chr15-23646547-G-T. GRCh37 (hg19) VCF-style: chr15-23891694-G-T.
Other names: short protein forms P399Q.
Identifiers: ClinVar variation 2634553 (VCV002634553.1), dbSNP rs1404298167, ClinGen allele CA391334966.